The following is an entry in ClinVar:

ClinVar aggregate classification (germline): Likely pathogenic. Review status: criteria provided, multiple submitters, no conflicts (2 of 4 stars). 3 submissions from 3 submitters: Likely pathogenic (3). Last evaluated 2025-08-13.

Conditions:
Primary ciliary dyskinesia. Also called: Ciliary dyskinesia. Identifiers: Orphanet 244, MedGen C0008780, MONDO:0016575, HP:0012265.
Primary ciliary dyskinesia 3. Identifiers: Orphanet 244, MedGen C1837618, MONDO:0012085, OMIM 608644.

Allele frequency attached by ClinVar (database versions not stated): gnomAD exomes below 0.00001.

Submissions (3):

Natera, Inc.
Classification: Likely pathogenic for Primary ciliary dyskinesia. Last evaluated: 2025-08-13. Review status: criteria provided, single submitter. Criteria: Natera Variant Classification Schema (03/2026). Collection method: clinical testing. Allele origin: germline.
Comment: The c.8360_8361insT variant in DNAH5 is a frameshift variant predicted to shift the reading frame beginning at codon 2787 and leads to a stop codon 7 codons downstream. This variant is expected to result in nonsense mediated decay, truncation, or a dysfunctional protein product. This variant is rare in the general population with a frequency below the threshold expected for the associated phenotype(s). Given the available evidence, this variant is classified as Likely Pathogenic.

Fulgent Genetics
Classification: Likely pathogenic for Primary ciliary dyskinesia 3. Last evaluated: 2022-05-13. Review status: criteria provided, single submitter. Criteria: ACMG Guidelines, 2015. Collection method: clinical testing. Allele origin: unknown.

UNC Molecular Genetics  Laboratory, University of North Carolina at Chapel Hill
Classification: Likely pathogenic for Primary ciliary dyskinesia. Last evaluated: 2020-11-12. Review status: criteria provided, single submitter. Criteria: ACMG Guidelines, 2015. Collection method: clinical testing. Allele origin: germline. Observed: 1 heterozygote.

NM_001369.3(DNAH5):c.8360_8361insT (p.Lys2787fs)

Gene: DNAH5 (dynein axonemal heavy chain 5; minus strand). Cytogenetic location: 5p15.2.
Variant type: Insertion.
Coding change: c.8360_8361insT on transcript NM_001369.3 (MANE Select); coding-DNA positions 8360 to 8361, T inserted.
Protein change: p.Lys2787fs; shifts the reading frame from lysine 2787.
Molecular consequence: frameshift variant.
Genome position: GRCh38 VCF-style: chr5-13792081-T-TA. GRCh37 (hg19) VCF-style: chr5-13792190-T-TA.
Other names: short protein forms K2787fs.
Identifiers: ClinVar variation 1210267 (VCV001210267.3), dbSNP rs1757084798, ClinGen allele CA1139771924.